The following is an entry in ClinVar:

NM_006343.3(MERTK):c.309A>G (p.Ile103Met)

Gene: MERTK (MER proto-oncogene, tyrosine kinase; plus strand). Cytogenetic location: 2q13.
Variant type: single nucleotide variant.
Coding change: c.309A>G on transcript NM_006343.3 (MANE Select); coding-DNA position 309, A replaced by G.
Protein change: p.Ile103Met; replaces isoleucine 103 with methionine.
Molecular consequence: missense variant.
Genome position (GRCh38, 1-based): chr2:111,929,367, A>G. VCF-style: chr2-111929367-A-G. GRCh37 (hg19) VCF-style: chr2-112686944-A-G.
Other names: short protein forms I103M.
Identifiers: ClinVar variation 1039199 (VCV001039199.8), dbSNP rs779086053, ClinGen allele CA1831015.

ClinVar aggregate classification (germline): Uncertain significance (1 of 4 stars; one submission).

Allele frequency attached by ClinVar (database versions not stated): gnomAD exomes below 0.00001 and 0.00001; gnomAD 0.00001; ExAC 0.00002; TOPMed 0.00002.
gnomAD v4.1: 4 of 1,614,026 alleles (0.00025%); highest among the groups gnomAD compares: African/African-American, 0.0053%; no homozygotes.

Submission:

Labcorp Genetics (formerly Invitae), Labcorp
Classification: Uncertain significance. Last evaluated: 2022-02-02. Review status: criteria provided, single submitter. Criteria: Invitae Variant Classification Sherloc (09022015). Collection method: clinical testing. Allele origin: germline.
Comment: This sequence change replaces isoleucine, which is neutral and non-polar, with methionine, which is neutral and non-polar, at codon 103 of the MERTK protein (p.Ile103Met). This variant is present in population databases (rs779086053, gnomAD 0.01%). This variant has not been reported in the literature in individuals affected with MERTK-related conditions. ClinVar contains an entry for this variant (Variation ID: 1039199). Algorithms developed to predict the effect of missense changes on protein structure and function are either unavailable or do not agree on the potential impact of this missense change (SIFT: "Deleterious"; PolyPhen-2: "Probably Damaging"; Align-GVGD: "Class C0"). In summary, the available evidence is currently insufficient to determine the role of this variant in disease. Therefore, it has been classified as a Variant of Uncertain Significance.